The following is an entry in ClinVar:

NM_006129.5(BMP1):c.2569G>A (p.Ala857Thr)

Gene: BMP1 (bone morphogenetic protein 1; plus strand). Cytogenetic location: 8p21.3.
Variant type: single nucleotide variant.
Coding change: c.2569G>A on transcript NM_006129.5 (MANE Select); coding-DNA position 2569, G replaced by A.
Protein change: p.Ala857Thr; replaces alanine 857 with threonine.
Molecular consequence: missense variant. On other transcripts: non-coding transcript variant (1).
Genome position (GRCh38, 1-based): chr8:22,207,510, G>A. VCF-style: chr8-22207510-G-A. GRCh37 (hg19) VCF-style: chr8-22065023-G-A.
Other names: short protein forms A857T.
Identifiers: ClinVar variation 2207884 (VCV002207884.4), dbSNP rs535986716, ClinGen allele CA4665290.

ClinVar aggregate classification (germline): Conflicting classifications of pathogenicity. Review status: criteria provided, conflicting classifications (1 of 4 stars). 2 submissions from 2 submitters: Uncertain significance (1); Likely benign (1). Last evaluated 2025-06-10.

Conditions:
Inborn genetic diseases. Identifiers: MedGen C0950123, MeSH D030342.
Osteogenesis imperfecta type 13. Also called: Osteogenesis imperfecta, type xiii; OI, TYPE XIII. Identifiers: Orphanet 666, MedGen C3553887, MONDO:0013924, OMIM 614856.

Allele frequency attached by ClinVar (database versions not stated): gnomAD 0.00001; TOPMed 0.00001; gnomAD exomes 0.00002; ExAC 0.00007.

Submissions (2):

Ambry Genetics
Classification: Uncertain significance for Inborn genetic diseases. Last evaluated: 2025-06-10. Review status: criteria provided, single submitter. Criteria: Ambry Variant Classification Scheme 2023. Collection method: clinical testing. Allele origin: germline.

3billion
Classification: Likely benign for Osteogenesis imperfecta type 13. Last evaluated: 2024-09-20. Review status: criteria provided, single submitter. Criteria: ACMG Guidelines, 2015. Collection method: clinical testing. Allele origin: germline. Affected: no.
Comment: The homozygous variant was found in patients diagnosed with another variant in a different gene, with no symptoms related to the gene containing the homozygous variant.